The following is an entry in ClinVar:

ClinVar aggregate classification (germline): Benign. Review status: criteria provided, multiple submitters, no conflicts (2 of 4 stars). 7 submissions from 6 submitters: Benign (7). Last evaluated 2025-02-01.

Conditions:
Neurofibromatosis, familial spinal (FSNF). Identifiers: Orphanet 636, MedGen C1834235, MONDO:0008078, OMIM 162210. Disease mechanism: loss of function.
Neurofibromatosis, type 1 (NF1). Also called: NEUROFIBROMATOSIS, TYPE I, SOMATIC; Neurofibromatosis, type I; VON RECKLINGHAUSEN DISEASE; Peripheral type neurofibromatosis. Identifiers: Orphanet 636, MedGen C0027831, MONDO:0018975, OMIM 162200. Disease mechanism: loss of function.

Allele frequency attached by ClinVar (database versions not stated): TOPMed 0.87167; 1000 Genomes Project 30x 0.87180; 1000 Genomes Project 0.87380; gnomAD 0.88082 and 0.88358; ESP Exome Variant Server 0.88312; ExAC 0.90685; gnomAD exomes 0.90742 and 0.91641.
gnomAD v4.1: 1,409,851 of 1,544,818 alleles (91%); highest among the groups gnomAD compares: South Asian, 95%; 644,322 homozygotes.

Submissions (7):

KCCC/NGS Laboratory, Kuwait Cancer Control Center
Classification: Benign for Neurofibromatosis, type 1. Last evaluated: 2025-02-01. Review status: criteria provided, single submitter. Criteria: ACMG Guidelines, 2015. Collection method: clinical testing. Allele origin: germline. Affected: no.

KCCC/NGS Laboratory, Kuwait Cancer Control Center
Classification: Benign for Neurofibromatosis, familial spinal. Last evaluated: 2023-07-07. Review status: criteria provided, single submitter. Criteria: ACMG Guidelines, 2015. Collection method: clinical testing. Allele origin: germline. Affected: yes.

Genome-Nilou Lab
Classification: Benign for Neurofibromatosis, type 1. Last evaluated: 2021-09-05. Review status: criteria provided, single submitter. Criteria: ACMG Guidelines, 2015. Collection method: clinical testing. Allele origin: germline. Affected: no.

ARUP Laboratories, Molecular Genetics and Genomics, ARUP Laboratories
Classification: Benign. Last evaluated: 2018-07-10. Review status: criteria provided, single submitter. Criteria: ARUP Molecular Germline Variant Investigation Process. Collection method: clinical testing. Allele origin: germline.

GeneDx
Classification: Benign. Last evaluated: 2018-06-20. Review status: criteria provided, single submitter. Criteria: GeneDx Variant Classification (06012015). Collection method: clinical testing. Allele origin: germline. Affected: yes.
Comment: This variant is considered likely benign or benign based on one or more of the following criteria: it is a conservative change, it occurs at a poorly conserved position in the protein, it is predicted to be benign by multiple in silico algorithms, and/or has population frequency not consistent with disease.

Breakthrough Genomics
Classification: Benign. Review status: criteria provided, single submitter. Criteria: ACMG Guidelines, 2015. Collection method: not provided. Allele origin: germline. Inheritance: Autosomal dominant inheritance. Affected: yes.

PreventionGenetics, part of Exact Sciences
Classification: Benign. Review status: criteria provided, single submitter. Criteria: ACMG Guidelines, 2015. Collection method: clinical testing. Allele origin: germline.

NM_001042492.3(NF1):c.7189+37C>G

Gene: NF1 (neurofibromin 1; plus strand). Cytogenetic location: 17q11.2.
Variant type: single nucleotide variant.
Coding change: c.7189+37C>G on transcript NM_001042492.3 (MANE Select); 37 bases into the intron after coding-DNA position 7189, C replaced by G.
Molecular consequence: intron variant.
Genome position (GRCh38, 1-based): chr17:31,343,172, C>G. VCF-style: chr17-31343172-C-G. GRCh37 (hg19) VCF-style: chr17-29670190-C-G.
Other names: c.7126+37C>G (NM_000267.4).
Identifiers: ClinVar variation 257300 (VCV000257300.15), dbSNP rs7405740, ClinGen allele CA8487512.